The following is an entry in ClinVar:

ClinVar aggregate classification (germline): Uncertain significance (1 of 4 stars; one submission).

Conditions:
Norman-Roberts syndrome (LIS2). Also called: Lissencephaly 2 (Norman-Roberts type). Identifiers: Orphanet 89844, MedGen C0796089, MONDO:0009760, OMIM 257320.
Familial temporal lobe epilepsy 7. Identifiers: Orphanet 101046, MedGen C4225327, MONDO:0014639, OMIM 616436.

Submission:

Labcorp Genetics (formerly Invitae), Labcorp
Classification: Uncertain significance for Familial temporal lobe epilepsy 7; Norman-Roberts syndrome. Last evaluated: 2024-05-23. Review status: criteria provided, single submitter. Criteria: Invitae Variant Classification Sherloc (09022015). Collection method: clinical testing. Allele origin: germline.
Comment: This sequence change replaces aspartic acid, which is acidic and polar, with asparagine, which is neutral and polar, at codon 2630 of the RELN protein (p.Asp2630Asn). Information on the frequency of this variant in the gnomAD database is not available, as this variant may be reported differently in the database. This variant has not been reported in the literature in individuals affected with RELN-related conditions. ClinVar contains an entry for this variant (Variation ID: 953459). Experimental studies and prediction algorithms are not available or were not evaluated, and the functional significance of this variant is currently unknown. In summary, the available evidence is currently insufficient to determine the role of this variant in disease. Therefore, it has been classified as a Variant of Uncertain Significance.

NM_005045.4(RELN):c.7887_7888inv (p.Asp2630Asn)

Gene: RELN (reelin; minus strand). Cytogenetic location: 7q22.1.
Variant type: Inversion.
Coding change: c.7887_7888inv on transcript NM_005045.4 (MANE Select).
Protein change: p.Asp2630Asn; replaces aspartic acid 2630 with asparagine.
Molecular consequence: missense variant.
Genome position: GRCh38 VCF-style: chr7-103515416-CA-TG. GRCh37 (hg19) VCF-style: chr7-103155863-CA-TG.
Other names: c.7887_7888inv, p.Asp2630Asn (NM_173054.3); short protein forms D2630N.
Identifiers: ClinVar variation 953459 (VCV000953459.9), ClinGen allele CA1139660158.